The following is an entry in ClinVar:

ClinVar aggregate classification (germline): Conflicting classifications of pathogenicity. Review status: criteria provided, conflicting classifications (1 of 4 stars). 4 submissions from 4 submitters: Pathogenic (1); Likely pathogenic (1); Uncertain significance (1). 1 of the submissions does not count toward it. Last evaluated 2024-01-24.

Conditions:
Spastic paraplegia 79A, autosomal dominant, with ataxia (SPG79A). Also called: Spastic paraplegia 79A, autosomal dominant. Identifiers: MedGen C5774300, MONDO:0859363, OMIM 620221.

Submissions (4):

Labcorp Genetics (formerly Invitae), Labcorp
Classification: Pathogenic. Last evaluated: 2024-01-24. Review status: criteria provided, single submitter. Criteria: Invitae Variant Classification Sherloc (09022015). Collection method: clinical testing. Allele origin: germline.
Comment: This sequence change creates a premature translational stop signal (p.Val22Glyfs*39) in the UCHL1 gene. It is expected to result in an absent or disrupted protein product. Loss-of-function variants in UCHL1 are known to be pathogenic (PMID: 35986737). This variant is not present in population databases (gnomAD no frequency). This premature translational stop signal has been observed in individual(s) with hereditary spastic paraplegia (PMID: 35986737). ClinVar contains an entry for this variant (Variation ID: 986797). For these reasons, this variant has been classified as Pathogenic.

Blueprint Genetics
Classification: Uncertain significance. Last evaluated: 2021-12-15. Review status: criteria provided, single submitter. Criteria: ACMG Guidelines, 2015. Collection method: clinical testing. Allele origin: germline.

Institute of Medical Genetics and Applied Genomics, University Hospital Tübingen
Classification: Likely pathogenic. Last evaluated: 2020-10-23. Review status: criteria provided, single submitter. Criteria: ACMG Guidelines, 2015. Collection method: clinical testing. Allele origin: germline. Inheritance: Autosomal unknown. Affected: yes.

OMIM
Classification: Pathogenic for SPASTIC PARAPLEGIA 79A, AUTOSOMAL DOMINANT, WITH ATAXIA. Last evaluated: 2024-01-30. Review status: no assertion criteria provided. Collection method: literature only. Allele origin: germline. Not counted in ClinVar's aggregate classification.

Literature cited by the submitters: PubMed 35986737 (cited by Labcorp Genetics (formerly Invitae), Labcorp); PubMed 37650884 (cited by OMIM).

NM_004181.5(UCHL1):c.64dup (p.Val22fs)

Gene: UCHL1 (ubiquitin C-terminal hydrolase L1; plus strand). Cytogenetic location: 4p13.
Variant type: Duplication.
Coding change: c.64dup on transcript NM_004181.5 (MANE Select); coding-DNA position 64, one base duplicated (G; older notation c.64dupG).
Protein change: p.Val22fs; shifts the reading frame from valine 22.
Molecular consequence: frameshift variant.
Genome position (GRCh38, 1-based): chr4:41,257,627, G duplicated; the last of 5 consecutive G bases (chr4:41,257,623-41,257,627); duplicating any one gives the same sequence. VCF-style (leftmost placement, unchanged base first): chr4-41257622-T-TG. GRCh37 (hg19) VCF-style: chr4-41259639-T-TG.
Other names: 1-BP DUP, NT64; c.64_dup (NM_004181.4); short protein forms V22fs.
Identifiers: ClinVar variation 986797 (VCV000986797.10), dbSNP rs1781001592, ClinGen allele CA1139658478.